The following is an entry in ClinVar:

ClinVar aggregate classification (germline): Conflicting classifications of pathogenicity. Review status: criteria provided, conflicting classifications (1 of 4 stars). 2 submissions from 2 submitters: Uncertain significance (1); Likely benign (1). Last evaluated 2025-11-05.

Conditions:
PMM2-related disorder. Also called: PMM2-related condition.
PMM2-congenital disorder of glycosylation. Also called: PHOSPHOMANNOMUTASE 2 DEFICIENCY; CARBOHYDRATE-DEFICIENT GLYCOPROTEIN SYNDROME, TYPE Ia; PMM2-CDG; JAEKEN SYNDROME; Congenital disorder of glycosylation, type Ia; CDG Ia. Identifiers: Orphanet 79318, MedGen C0349653, MONDO:0008907, OMIM 212065.

Allele frequency attached by ClinVar (database versions not stated): TOPMed 0.00017; gnomAD 0.00019; 1000 Genomes Project 0.00020; ExAC 0.00020; gnomAD exomes 0.00022; 1000 Genomes Project 30x 0.00062.
gnomAD v4.1: 193 of 1,404,256 alleles (0.014%); highest among the groups gnomAD compares: East Asian, 0.039%; no homozygotes.

Submissions (2):

PreventionGenetics, part of Exact Sciences
Classification: Likely benign for PMM2-related condition. Last evaluated: 2025-11-05. Review status: criteria provided, single submitter. Criteria: ACMG Guidelines, 2015. Collection method: clinical testing. Allele origin: germline.
Comment: This variant is classified as likely benign based on ACMG/AMP sequence variant interpretation guidelines (Richards et al. 2015 PMID: 25741868, with internal and published modifications).

Illumina Laboratory Services, Illumina
Classification: Uncertain significance for PMM2-congenital disorder of glycosylation. Last evaluated: 2018-01-13. Review status: criteria provided, single submitter. Criteria: ICSL Variant Classification Criteria 13 December 2019. Collection method: clinical testing. Allele origin: germline.

NM_000303.3(PMM2):c.*52C>T

Gene: PMM2 (phosphomannomutase 2; plus strand). Cytogenetic location: 16p13.2.
Variant type: single nucleotide variant.
Coding change: c.*52C>T on transcript NM_000303.3 (MANE Select); 52 bases downstream of the stop codon, C replaced by T.
Molecular consequence: 3 prime UTR variant.
Genome position (GRCh38, 1-based): chr16:8,847,877, C>T. VCF-style: chr16-8847877-C-T. GRCh37 (hg19) VCF-style: chr16-8941734-C-T.
Identifiers: ClinVar variation 321225 (VCV000321225.6), dbSNP rs565165106, ClinGen allele CA7894240.